The following is an entry in ClinVar:

ClinVar aggregate classification (germline): Uncertain significance (1 of 4 stars; one submission).

Conditions:
Primary ciliary dyskinesia. Also called: Ciliary dyskinesia. Identifiers: Orphanet 244, MedGen C0008780, MONDO:0016575, HP:0012265.

Submission:

Labcorp Genetics (formerly Invitae), Labcorp
Classification: Uncertain significance for Primary ciliary dyskinesia. Last evaluated: 2020-07-07. Review status: criteria provided, single submitter. Criteria: Invitae Variant Classification Sherloc (09022015). Collection method: clinical testing. Allele origin: germline.
Comment: In summary, the available evidence is currently insufficient to determine the role of this variant in disease. Therefore, it has been classified as a Variant of Uncertain Significance. Algorithms developed to predict the effect of missense changes on protein structure and function (SIFT, PolyPhen-2, Align-GVGD) all suggest that this variant is likely to be tolerated, but these predictions have not been confirmed by published functional studies and their clinical significance is uncertain. This variant has not been reported in the literature in individuals with DRC1-related conditions. This variant is not present in population databases (ExAC no frequency). This sequence change replaces serine with arginine at codon 601 of the DRC1 protein (p.Ser601Arg). The serine residue is weakly conserved and there is a moderate physicochemical difference between serine and arginine.

NM_145038.5(DRC1):c.1801A>C (p.Ser601Arg)

Gene: DRC1 (dynein regulatory complex subunit 1; plus strand). Cytogenetic location: 2p23.3.
Variant type: single nucleotide variant.
Coding change: c.1801A>C on transcript NM_145038.5 (MANE Select); coding-DNA position 1801, A replaced by C.
Protein change: p.Ser601Arg; replaces serine 601 with arginine.
Molecular consequence: missense variant.
Genome position (GRCh38, 1-based): chr2:26,453,431, A>C. VCF-style: chr2-26453431-A-C. GRCh37 (hg19) VCF-style: chr2-26676299-A-C.
Other names: short protein forms S601R.
Identifiers: ClinVar variation 1019615 (VCV001019615.9), dbSNP rs1664059066, ClinGen allele CA346119650.